The following is an entry in ClinVar:

ClinVar aggregate classification (germline): Uncertain significance (1 of 4 stars; one submission).

Conditions:
Cardiovascular phenotype. Identifiers: MedGen CN230736.

gnomAD v4.1: 5 of 1,608,514 alleles (0.00031%); highest among the groups gnomAD compares: Admixed American, 0.0068%; no homozygotes.

Submission:

Ambry Genetics
Classification: Uncertain significance for Cardiovascular phenotype. Last evaluated: 2026-02-13. Review status: criteria provided, single submitter. Criteria: Ambry Variant Classification Scheme 2023. Collection method: clinical testing. Allele origin: germline.
Comment: The p.R325C variant (also known as c.973C>T), located in coding exon 2 of the TNXB gene, results from a C to T substitution at nucleotide position 973. The arginine at codon 325 is replaced by cysteine, an amino acid with highly dissimilar properties. This amino acid position is conserved. In addition, this alteration is predicted to be tolerated by in silico analysis. Based on the available evidence, the clinical significance of this variant remains unclear.

NM_001365276.2(TNXB):c.973C>T (p.Arg325Cys)

Gene: TNXB (tenascin XB; minus strand). Cytogenetic location: 6p21.33.
Variant type: single nucleotide variant.
Coding change: c.973C>T on transcript NM_001365276.2 (MANE Select); coding-DNA position 973, C replaced by T.
Protein change: p.Arg325Cys; replaces arginine 325 with cysteine.
Molecular consequence: missense variant.
Genome position (GRCh38, 1-based): chr6:32,096,880, G>A on the plus strand (C>T on the coding strand, the complement: TNXB is on the minus strand). VCF-style: chr6-32096880-G-A. GRCh37 (hg19) VCF-style: chr6-32064657-G-A.
Other names: c.973C>T, p.Arg325Cys (NM_001428335.1, NM_019105.8); short protein forms R325C.
Identifiers: ClinVar variation 4829522 (VCV004829522.1).